The following is an entry in ClinVar:

ClinVar aggregate classification (germline): Uncertain significance (1 of 4 stars; one submission).

Allele frequency attached by ClinVar (database versions not stated): ESP Exome Variant Server 0.00008; gnomAD exomes 0.00008; gnomAD 0.00011; TOPMed 0.00014; ExAC 0.00017.
gnomAD v4.1: 133 of 1,613,820 alleles (0.0082%); highest among the groups gnomAD compares: Admixed American, 0.025%; no homozygotes.

Submission:

Ambry Genetics
Classification: Uncertain significance. Last evaluated: 2024-11-10. Review status: criteria provided, single submitter. Criteria: Ambry Variant Classification Scheme 2023. Collection method: clinical testing. Allele origin: germline.
Comment: The p.E715K variant (also known as c.2143G>A), located in coding exon 12 of the PKP4 gene, results from a G to A substitution at nucleotide position 2143. The glutamic acid at codon 715 is replaced by lysine, an amino acid with similar properties. This amino acid position is conserved. In addition, the in silico prediction for this alteration is inconclusive. Since supporting evidence is limited at this time, the clinical significance of this alteration remains unclear.

NM_003628.6(PKP4):c.2143G>A (p.Glu715Lys)

Genes: PKP4 (plakophilin 4; plus strand), PKP4-AS1 (PKP4 antisense RNA 1; minus strand). Cytogenetic location: 2q24.1.
Variant type: single nucleotide variant.
Coding change: c.2143G>A on transcript NM_003628.6 (MANE Select); coding-DNA position 2143, G replaced by A.
Protein change: p.Glu715Lys; replaces glutamic acid 715 with lysine.
Molecular consequence: missense variant. On other transcripts: non-coding transcript variant (1).
Genome position (GRCh38, 1-based): chr2:158,661,382, G>A. VCF-style: chr2-158661382-G-A. GRCh37 (hg19) VCF-style: chr2-159517894-G-A.
Other names: c.2143G>A, p.Glu715Lys (NM_001005476.4, NM_001304971.2, NM_001377218.1 and 1 more transcripts); c.2140G>A, p.Glu714Lys (NM_001304969.3, NM_001377219.1, NM_001377220.1 and 2 more transcripts); c.1114G>A, p.Glu372Lys (NM_001304970.3); c.2137G>A, p.Glu713Lys (NM_001377222.1, NM_001377223.1); c.2134G>A, p.Glu712Lys (NM_001377224.1); short protein forms E713K, E372K, E712K, E714K, E715K.
Identifiers: ClinVar variation 1786621 (VCV001786621.3), dbSNP rs373539347, ClinGen allele CA1920900.